The following is an entry in ClinVar:

NM_000360.4(TH):c.950C>A (p.Ala317Glu)

Gene: TH (tyrosine hydroxylase; minus strand). Cytogenetic location: 11p15.5.
Variant type: single nucleotide variant.
Coding change: c.950C>A on transcript NM_000360.4 (MANE Select); coding-DNA position 950, C replaced by A.
Protein change: p.Ala317Glu; replaces alanine 317 with glutamic acid.
Molecular consequence: missense variant.
Genome position (GRCh38, 1-based): chr11:2,166,660, G>T on the plus strand (C>A on the coding strand, the complement: TH is on the minus strand). VCF-style: chr11-2166660-G-T. GRCh37 (hg19) VCF-style: chr11-2187890-G-T.
Other names: c.1043C>A, p.Ala348Glu (NM_199292.3); c.1031C>A, p.Ala344Glu (NM_199293.3); short protein forms A344E, A317E, A348E.
Identifiers: ClinVar variation 2039062 (VCV002039062.2), dbSNP rs370710158, ClinGen allele CA5818448.

ClinVar aggregate classification (germline): Uncertain significance. Review status: criteria provided, multiple submitters, no conflicts (2 of 4 stars). 2 submissions from 2 submitters: Uncertain significance (2). Last evaluated 2022-02-09.

Conditions:
TH-deficient dopa-responsive dystonia. Also called: Tyrosine Hydroxylase-Deficient Dopa-Responsive Dystonia; Segawa syndrome, autosomal recessive; DYT-TH. Identifiers: Orphanet 101150, MedGen C2673535, MONDO:0011551, OMIM 605407.

Allele frequency attached by ClinVar (database versions not stated): ESP Exome Variant Server 0.00008.
gnomAD v4.1: 4 of 1,572,822 alleles (0.00025%); highest among the groups gnomAD compares: Non-Finnish European, 0.00034%; no homozygotes.

Submissions (2):

Labcorp Genetics (formerly Invitae), Labcorp
Classification: Uncertain significance for TH-deficient dopa-responsive dystonia. Last evaluated: 2022-02-09. Review status: criteria provided, single submitter. Criteria: Invitae Variant Classification Sherloc (09022015). Collection method: clinical testing. Allele origin: germline.
Comment: This sequence change replaces alanine, which is neutral and non-polar, with glutamic acid, which is acidic and polar, at codon 348 of the TH protein (p.Ala348Glu). The frequency data for this variant in the population databases is considered unreliable, as metrics indicate poor data quality at this position in the gnomAD database. This variant has not been reported in the literature in individuals affected with TH-related conditions. Algorithms developed to predict the effect of missense changes on protein structure and function (SIFT, PolyPhen-2, Align-GVGD) all suggest that this variant is likely to be disruptive. In summary, the available evidence is currently insufficient to determine the role of this variant in disease. Therefore, it has been classified as a Variant of Uncertain Significance.

Blueprint Genetics
Classification: Uncertain significance. Last evaluated: 2021-04-23. Review status: criteria provided, single submitter. Criteria: ACMG Guidelines, 2015. Collection method: clinical testing. Allele origin: germline.